The following is an entry in ClinVar:

NM_001367624.2(ZNF469):c.4599A>C (p.Thr1533=)

Gene: ZNF469 (zinc finger protein 469; plus strand). Cytogenetic location: 16q24.2.
Variant type: single nucleotide variant.
Coding change: c.4599A>C on transcript NM_001367624.2 (MANE Select); coding-DNA position 4599, A replaced by C.
Protein change: p.Thr1533=; no amino-acid change (threonine 1533 retained).
Molecular consequence: synonymous variant.
Genome position (GRCh38, 1-based): chr16:88,432,069, A>C. VCF-style: chr16-88432069-A-C. GRCh37 (hg19) VCF-style: chr16-88498477-A-C.
Other names: NM_001127464.1:c.4515A>C; NM_001127464.2:c.4515A>C; p.Thr1533=.
Identifiers: ClinVar variation 511838 (VCV000511838.43), dbSNP rs142246629, ClinGen allele CA8224982.

ClinVar aggregate classification (germline): Benign/Likely benign. Review status: criteria provided, multiple submitters, no conflicts (2 of 4 stars). 8 submissions from 8 submitters: Benign (2); Likely benign (6). Last evaluated 2026-02-04.

Conditions:
Cardiovascular phenotype. Identifiers: MedGen CN230736.
Ehlers-Danlos syndrome (EDS). Identifiers: Orphanet 98249, MedGen C0013720, MONDO:0020066.
ZNF469-related disorder. Also called: ZNF469-related condition.

Allele frequency attached by ClinVar (database versions not stated): TOPMed 0.00025; gnomAD exomes 0.00057 and 0.00108; gnomAD 0.00070 and 0.00083; ExAC 0.00082; 1000 Genomes Project 30x 0.00187; 1000 Genomes Project 0.00200.
gnomAD v4.1: 922 of 1,550,494 alleles (0.059%); highest among the groups gnomAD compares: East Asian, 0.9%; 6 homozygotes.

Submissions (8):

Labcorp Genetics (formerly Invitae), Labcorp
Classification: Likely benign. Last evaluated: 2026-02-04. Review status: criteria provided, single submitter. Criteria: Invitae Variant Classification Sherloc (09022015). Collection method: clinical testing. Allele origin: germline.

PreventionGenetics, part of Exact Sciences
Classification: Likely benign for ZNF469-related condition. Last evaluated: 2025-01-11. Review status: criteria provided, single submitter. Criteria: ACMG Guidelines, 2015. Collection method: clinical testing. Allele origin: germline.
Comment: This variant is classified as likely benign based on ACMG/AMP sequence variant interpretation guidelines (Richards et al. 2015 PMID: 25741868, with internal and published modifications).

Blueprint Genetics
Classification: Likely benign. Last evaluated: 2024-11-07. Review status: criteria provided, single submitter. Criteria: ACMG Guidelines, 2015. Collection method: clinical testing. Allele origin: germline.

Mayo Clinic Laboratories, Mayo Clinic
Classification: Benign. Last evaluated: 2024-01-03. Review status: criteria provided, single submitter. Criteria: ACMG Guidelines, 2015. Collection method: clinical testing. Allele origin: germline. Observed: 3 variant alleles.
Comment: BS1, BS2, BP4, BP7

CeGaT Center for Human Genetics Tuebingen
Classification: Likely benign. Last evaluated: 2023-03-01. Review status: criteria provided, single submitter. Criteria: CeGaT Center For Human Genetics Tuebingen Variant Classification Criteria Version 2. Collection method: clinical testing. Allele origin: germline. Affected: yes. Observed: 1 variant allele.
Comment: ZNF469: BP4, BP7

GeneDx
Classification: Likely benign. Last evaluated: 2020-07-30. Review status: criteria provided, single submitter. Criteria: GeneDx Variant Classification Process June 2021. Collection method: clinical testing. Allele origin: germline. Affected: yes.

Genome Diagnostics Laboratory, The Hospital for Sick Children
Classification: Likely benign for Ehlers-Danlos syndrome. Last evaluated: 2019-12-01. Review status: criteria provided, single submitter. Criteria: ACMG Guidelines, 2015. Collection method: clinical testing. Allele origin: germline.

Ambry Genetics
Classification: Benign for Cardiovascular phenotype. Last evaluated: 2019-02-25. Review status: criteria provided, single submitter. Criteria: Ambry Variant Classification Scheme 2023. Collection method: clinical testing. Allele origin: germline.